The following is an entry in ClinVar:

NM_001369.3(DNAH5):c.6579+6A>G

Gene: DNAH5 (dynein axonemal heavy chain 5; minus strand). Cytogenetic location: 5p15.2.
Variant type: single nucleotide variant.
Coding change: c.6579+6A>G on transcript NM_001369.3 (MANE Select); 6 bases into the intron after coding-DNA position 6579, A replaced by G.
Molecular consequence: intron variant.
Genome position (GRCh38, 1-based): chr5:13,824,193, T>C on the plus strand (A>G on the coding strand, the complement: DNAH5 is on the minus strand). VCF-style: chr5-13824193-T-C. GRCh37 (hg19) VCF-style: chr5-13824302-T-C.
Identifiers: ClinVar variation 226604 (VCV000226604.27), dbSNP rs141389162, ClinGen allele CA3203357.
Genomic context (GRCh38, chr5:13,824,193, plus strand): 5'-TCATGTATGGGCAGTTAGTTTAACTGATATCCAAGTAGGTGGAACACTTCCATCTGTGAG[T>C]CTTACCAGTTTAGAAAGATTCATGTCCCGTAGTACACGCATGACAATCGTGGACTCCGTA-3'

ClinVar aggregate classification (germline): Benign/Likely benign. Review status: criteria provided, multiple submitters, no conflicts (2 of 4 stars). 11 submissions from 11 submitters: Benign (4); Likely benign (3). 4 of the submissions do not count toward it. Last evaluated 2026-01-28.

Conditions:
Primary ciliary dyskinesia. Also called: Ciliary dyskinesia. Identifiers: Orphanet 244, MedGen C0008780, MONDO:0016575, HP:0012265.
Primary ciliary dyskinesia 3. Identifiers: Orphanet 244, MedGen C1837618, MONDO:0012085, OMIM 608644.

Allele frequency attached by ClinVar (database versions not stated): gnomAD 0.00745 and 0.00798; TOPMed 0.00814; ESP Exome Variant Server 0.00838; gnomAD exomes 0.00068 and 0.00192; ExAC 0.00238; 1000 Genomes Project 30x 0.00953; 1000 Genomes Project 0.00998.
gnomAD v4.1: 2,155 of 1,613,886 alleles (0.13%); highest among the groups gnomAD compares: African/African-American, 2.6%; 27 homozygotes.

Submissions (11):

Labcorp Genetics (formerly Invitae), Labcorp
Classification: Benign for Primary ciliary dyskinesia. Last evaluated: 2026-01-28. Review status: criteria provided, single submitter. Criteria: Invitae Variant Classification Sherloc (09022015). Collection method: clinical testing. Allele origin: germline.

ARUP Laboratories, Molecular Genetics and Genomics, ARUP Laboratories
Classification: Benign for Primary ciliary dyskinesia 3. Last evaluated: 2023-09-21. Review status: criteria provided, single submitter. Criteria: ARUP Molecular Germline Variant Investigation Process 2024. Collection method: clinical testing. Allele origin: germline.

GeneDx
Classification: Likely benign. Last evaluated: 2021-01-19. Review status: criteria provided, single submitter. Criteria: GeneDx Variant Classification Process June 2021. Collection method: clinical testing. Allele origin: germline. Affected: yes.

Illumina Laboratory Services, Illumina
Classification: Likely benign for Primary ciliary dyskinesia 3. Last evaluated: 2018-01-13. Review status: criteria provided, single submitter. Criteria: ICSL Variant Classification Criteria 13 December 2019. Collection method: clinical testing. Allele origin: germline.
Comment: This variant was observed in the ICSL laboratory as part of a predisposition screen in an ostensibly healthy population. It had not been previously curated by ICSL or reported in the Human Gene Mutation Database (HGMD: prior to June 1st, 2018), and was therefore a candidate for classification through an automated scoring system. Utilizing variant allele frequency, disease prevalence and penetrance estimates, and inheritance mode, an automated score was calculated to assess if this variant is too frequent to cause the disease. Based on the score and internal cut-off values, a variant classified as likely benign is not then subjected to further curation. The score for this variant resulted in a classification of likely benign for this disease.

Laboratory for Molecular Medicine, Mass General Brigham Personalized Medicine
Classification: Benign. Last evaluated: 2013-02-21. Review status: criteria provided, single submitter. Criteria: LMM Criteria. Collection method: clinical testing. Allele origin: germline. Observed: 1 variant allele.
Comment: 6579+6A>G in intron 39 of DNAH5: This variant is not expected to have clinical s ignificance because it has been identified in 2.5% (108/4406) of African America n chromosomes from a broad population by the NHLBI Exome Sequencing Project (dbSNP rs141389162).

Breakthrough Genomics
Classification: Likely benign. Review status: criteria provided, single submitter. Criteria: ACMG Guidelines, 2015. Collection method: not provided. Allele origin: germline. Inheritance: Autosomal recessive inheritance. Affected: yes.

PreventionGenetics, part of Exact Sciences
Classification: Benign. Review status: criteria provided, single submitter. Criteria: ACMG Guidelines, 2015. Collection method: clinical testing. Allele origin: germline.

Natera, Inc.
Classification: Benign for Primary ciliary dyskinesia. Last evaluated: 2020-09-16. Review status: no assertion criteria provided. Collection method: clinical testing. Allele origin: germline. Not counted in ClinVar's aggregate classification.

Counsyl
Classification: Likely benign for Primary ciliary dyskinesia 3. Last evaluated: 2017-03-06. Review status: no assertion criteria provided. Collection method: clinical testing. Allele origin: unknown. Not counted in ClinVar's aggregate classification.

Clinical Genetics DNA and cytogenetics Diagnostics Lab, Erasmus MC, Erasmus Medical Center
Classification: Benign. Review status: no assertion criteria provided. Collection method: clinical testing. Allele origin: germline. Affected: yes. Study: VKGL Data-share Consensus. Not counted in ClinVar's aggregate classification.

Laboratory of Diagnostic Genome Analysis, Leiden University Medical Center (LUMC)
Classification: Likely benign. Review status: no assertion criteria provided. Collection method: clinical testing. Allele origin: germline. Affected: yes. Study: VKGL Data-share Consensus. Not counted in ClinVar's aggregate classification.